The following is an entry in ClinVar:

ClinVar aggregate classification (germline): Pathogenic (1 of 4 stars; one submission).

Conditions:
Peutz-Jeghers syndrome (PJS). Also called: POLYPOSIS, HAMARTOMATOUS INTESTINAL; POLYPS-AND-SPOTS SYNDROME; Peutz-Jeghers polyposis; Periorificial lentiginosis syndrome. Identifiers: Orphanet 2869, MedGen C0031269, MeSH D010580, MONDO:0008280, OMIM 175200.

Submission:

Myriad Genetics, Inc.
Classification: Pathogenic for Peutz-Jeghers syndrome. Last evaluated: 2026-06-18. Review status: criteria provided, single submitter. Criteria: Myriad Autosomal Dominant, Autosomal Recessive and X-Linked Classification Criteria (2023). Collection method: clinical testing. Allele origin: unknown.
Comment: This variant is considered pathogenic. This variant occurs within a consensus splice junction and is predicted to result in abnormal mRNA splicing of either an out-of-frame exon or an in-frame exon necessary for protein stability and/or normal function. This variant has been reported in multiple individuals with clinical features of gene-specific disease [PMID: 21118512, 22775437, 16707622].

Literature cited by the submitters: PubMed 21118512; PubMed 22775437; PubMed 16707622.

NM_000455.5(STK11):c.597+2T>G

Gene: STK11 (serine/threonine kinase 11; plus strand). Cytogenetic location: 19p13.3.
Variant type: single nucleotide variant.
Coding change: c.597+2T>G on transcript NM_000455.5 (MANE Select); the canonical splice donor site of the intron after coding-DNA position 597, T replaced by G.
Molecular consequence: splice donor variant.
Genome position (GRCh38, 1-based): chr19:1,220,507, T>G. VCF-style: chr19-1220507-T-G. GRCh37 (hg19) VCF-style: chr19-1220506-T-G.
Other names: c.597+2T>G (NM_001407255.1).
Identifiers: ClinVar variation 4875978 (VCV004875978.1).